The following is an entry in ClinVar:

NM_145038.5(DRC1):c.148C>T (p.Arg50Trp)

Gene: DRC1 (dynein regulatory complex subunit 1; plus strand). Cytogenetic location: 2p23.3.
Variant type: single nucleotide variant.
Coding change: c.148C>T on transcript NM_145038.5 (MANE Select); coding-DNA position 148, C replaced by T.
Protein change: p.Arg50Trp; replaces arginine 50 with tryptophan.
Molecular consequence: missense variant.
Genome position (GRCh38, 1-based): chr2:26,402,137, C>T. VCF-style: chr2-26402137-C-T. GRCh37 (hg19) VCF-style: chr2-26625005-C-T.
Other names: short protein forms R50W.
Identifiers: ClinVar variation 4710642 (VCV004710642.1).
Genomic context (GRCh38, chr2:26,402,137, plus strand): 5'-GACAACTCTCAGGAGCGCATCCAGGCCCGGCGCCTCCGCATCGCTGCGCGCTTAGAAGCC[C>T]GGAGGCGGTGAGCGCGGGGGCGGGCGGGGCGGGATCCGCGCCGCAGGAGCCGGAGAAGGG-3'
Protein context (NP_659475.2, residues 40-60): RLRIAARLEA[Arg50Trp]RREALGEYLD

ClinVar aggregate classification (germline): Uncertain significance (1 of 4 stars; one submission).

Conditions:
Primary ciliary dyskinesia. Also called: Ciliary dyskinesia. Identifiers: Orphanet 244, MedGen C0008780, MONDO:0016575, HP:0012265.

gnomAD v4.1: 1 of 1,605,106 alleles (0.000062%); highest among the groups gnomAD compares: Non-Finnish European, 0.000085%; no homozygotes.

Submission:

Labcorp Genetics (formerly Invitae), Labcorp
Classification: Uncertain significance for Primary ciliary dyskinesia. Last evaluated: 2025-08-03. Review status: criteria provided, single submitter. Criteria: Invitae Variant Classification Sherloc (09022015). Collection method: clinical testing. Allele origin: germline.
Comment: This sequence change replaces arginine, which is basic and polar, with tryptophan, which is neutral and slightly polar, at codon 50 of the DRC1 protein (p.Arg50Trp). This variant is not present in population databases (gnomAD no frequency). This variant has not been reported in the literature in individuals affected with DRC1-related conditions. An algorithm developed to predict the effect of missense changes on protein structure and function (PolyPhen-2) suggests that this variant is likely to be disruptive. In summary, the available evidence is currently insufficient to determine the role of this variant in disease. Therefore, it has been classified as a Variant of Uncertain Significance.